The following is an entry in ClinVar:

NM_000540.3(RYR1):c.2963C>G (p.Ala988Gly)

Gene: RYR1 (ryanodine receptor 1; plus strand). Cytogenetic location: 19q13.2.
Variant type: single nucleotide variant.
Coding change: c.2963C>G on transcript NM_000540.3 (MANE Select); coding-DNA position 2963, C replaced by G.
Protein change: p.Ala988Gly; replaces alanine 988 with glycine.
Molecular consequence: missense variant.
Genome position (GRCh38, 1-based): chr19:38,466,183, C>G. VCF-style: chr19-38466183-C-G. GRCh37 (hg19) VCF-style: chr19-38956823-C-G.
Other names: c.2963C>G, p.Ala988Gly (NM_001042723.2); short protein forms A988G.
Identifiers: ClinVar variation 4873372 (VCV004873372.2).

ClinVar aggregate classification (germline): Uncertain significance (1 of 4 stars; one submission).

Submission:

CeGaT Center for Human Genetics Tuebingen
Classification: Uncertain significance. Last evaluated: 2026-04-01. Review status: criteria provided, single submitter. Criteria: CeGaT Center For Human Genetics Tuebingen Variant Classification Criteria Version 2. Collection method: clinical testing. Allele origin: germline. Affected: yes. Observed: 1 variant allele.
Comment: RYR1: PM2